The following is an entry in ClinVar:

ClinVar aggregate classification (germline): Uncertain significance (1 of 4 stars; one submission).

Conditions:
Hereditary cancer-predisposing syndrome. Also called: Neoplastic Syndromes, Hereditary; Tumor predisposition; Hereditary Cancer Syndrome; Hereditary neoplastic syndrome. Identifiers: Orphanet 140162, MedGen C0027672, MeSH D009386, MONDO:0015356.

Submission:

Ambry Genetics
Classification: Uncertain significance for Hereditary cancer-predisposing syndrome. Last evaluated: 2025-12-15. Review status: criteria provided, single submitter. Criteria: Ambry Variant Classification Scheme 2023. Collection method: clinical testing. Allele origin: germline.
Comment: The p.T344R variant (also known as c.1031C>G), located in coding exon 9 of the MITF gene, results from a C to G substitution at nucleotide position 1031. The threonine at codon 344 is replaced by arginine, an amino acid with similar properties. This amino acid position is conserved. In addition, the in silico prediction for this alteration is inconclusive. Based on the available evidence, the clinical significance of this variant remains unclear.

NM_001354604.2(MITF):c.1352C>G (p.Thr451Arg)

Gene: MITF (melanocyte inducing transcription factor; plus strand). Cytogenetic location: 3p13.
Variant type: single nucleotide variant.
Coding change: c.1352C>G on transcript NM_001354604.2 (MANE Select); coding-DNA position 1352, C replaced by G.
Protein change: p.Thr451Arg; replaces threonine 451 with arginine.
Molecular consequence: missense variant.
Genome position (GRCh38, 1-based): chr3:69,965,019, C>G. VCF-style: chr3-69965019-C-G. GRCh37 (hg19) VCF-style: chr3-70014170-C-G.
Other names: c.1031C>G, p.Thr344Arg (NM_000248.4); c.1178C>G, p.Thr393Arg (NM_001184967.2, NM_001354608.2); c.1349C>G, p.Thr450Arg (NM_001354605.2); c.1331C>G, p.Thr444Arg (NM_001354606.2, NM_006722.3); c.1283C>G, p.Thr428Arg (NM_001354607.2); c.1013C>G, p.Thr338Arg (NM_198158.3); c.1334C>G, p.Thr445Arg (NM_198159.3); c.1286C>G, p.Thr429Arg (NM_198177.3); and 1 more; short protein forms T344R, T429R, T444R, T445R, T451R, T282R, T338R, T393R.
Identifiers: ClinVar variation 4841477 (VCV004841477.1).
Genomic context (GRCh38, chr3:69,965,019, plus strand): 5'-GCAGCCAAGACCTCCTTCAGCATCATGCAGACCTAACCTGTACAACAACTCTCGATCTCA[C>G]GGATGGCACCATCACCTTCAACAACAACCTCGGAACTGGGACTGAGGCCAACCAAGCCTA-3'
Protein context (NP_001341533.1, residues 441-461): DLTCTTTLDL[Thr451Arg]DGTITFNNNL